The following is an entry in ClinVar:

NM_001267550.2(TTN):c.105838C>T (p.Leu35280Phe)

Genes: TTN-AS1 (TTN antisense RNA 1; plus strand), TTN (titin; minus strand), LOC129935183 (ATAC-STARR-seq lymphoblastoid active region 16808; plus strand). Cytogenetic location: 2q31.2.
Variant type: single nucleotide variant.
Coding change: c.105838C>T on transcript NM_001267550.2 (MANE Select); coding-DNA position 105838, C replaced by T.
Protein change: p.Leu35280Phe; replaces leucine 35280 with phenylalanine.
Molecular consequence: missense variant.
Genome position (GRCh38, 1-based): chr2:178,530,777, G>A on the plus strand (C>T on the coding strand, the complement: TTN is on the minus strand). VCF-style: chr2-178530777-G-A. GRCh37 (hg19) VCF-style: chr2-179395504-G-A.
Other names: c.100915C>T, p.Leu33639Phe (NM_001256850.1); c.78643C>T, p.Leu26215Phe (NM_003319.4); c.98134C>T, p.Leu32712Phe (NM_133378.4); c.79018C>T, p.Leu26340Phe (NM_133432.3); c.79219C>T, p.Leu26407Phe (NM_133437.4); short protein forms L33639F, L35280F, L26215F, L26340F, L26407F, L32712F.
Identifiers: ClinVar variation 843118 (VCV000843118.1), dbSNP rs1688767942, ClinGen allele CA349407636.

ClinVar aggregate classification (germline): Uncertain significance (1 of 4 stars; one submission).

Conditions:
Autosomal recessive limb-girdle muscular dystrophy type 2J (LGMDR10). Also called: Limb-girdle muscular dystrophy, type 2J; MUSCULAR DYSTROPHY, LIMB-GIRDLE, AUTOSOMAL RECESSIVE 10. Identifiers: Orphanet 140922, MedGen C1837342, MONDO:0012127, OMIM 608807.
Dilated cardiomyopathy 1G (CMD1G). Identifiers: Orphanet 154, MedGen C1858763, MONDO:0011400, OMIM 604145.

Submission:

Labcorp Genetics (formerly Invitae), Labcorp
Classification: Uncertain significance for Dilated cardiomyopathy 1G; Limb-girdle muscular dystrophy, type 2J. Last evaluated: 2019-12-23. Review status: criteria provided, single submitter. Criteria: Invitae Variant Classification Sherloc (09022015). Collection method: clinical testing. Allele origin: germline.
Comment: This sequence change replaces leucine with phenylalanine at codon 35280 of the TTN protein (p.Leu35280Phe). There is a small physicochemical difference between leucine and phenylalanine. This variant is not present in population databases (ExAC no frequency). This variant has not been reported in the literature in individuals with TTN-related conditions. This variant is located in the M band of TTN (PMID: 25589632). Variants in this region may be relevant for neuromuscular disorders, but have not been definitively shown to cause cardiomyopathy (PMID: 23975875). Algorithms developed to predict the effect of missense changes on protein structure and function are unavailable for the TTN gene. In summary, the available evidence is currently insufficient to determine the role of this variant in disease. Therefore, it has been classified as a Variant of Uncertain Significance.

Literature cited by the submitters: PubMed 23975875; PubMed 25589632.